The following is an entry in ClinVar:

NM_001386140.1(MTTP):c.494_501+11del

Gene: MTTP (microsomal triglyceride transfer protein; plus strand). Cytogenetic location: 4q23.
Variant type: Deletion.
Coding change: c.494_501+11del on transcript NM_001386140.1 (MANE Select); coding-DNA position 494 through 11 bases into the intron after coding-DNA position 501, 19 bases deleted (CCAATGAGGTACTTACCAA).
Molecular consequence: splice donor variant.
Genome position (GRCh38, 1-based): chr4:99,589,743-99,589,761, CCAATGAGGTACTTACCAA deleted; deleting any 19 consecutive bases within chr4:99,589,742-99,589,761 gives the same sequence; the c. name uses the placement nearest the transcript's 3' end. VCF-style (leftmost placement, unchanged base first): chr4-99589741-CACCAATGAGGTACTTACCA-C. GRCh37 (hg19) VCF-style: chr4-100510898-CACCAATGAGGTACTTACCA-C.
Other names: c.494_501+11del (NM_000253.4); c.245_252+11del (NM_001300785.2).
Identifiers: ClinVar variation 861271 (VCV000861271.6), dbSNP rs1725368580, ClinGen allele CA916082651.

ClinVar aggregate classification (germline): Likely pathogenic (1 of 4 stars; one submission).

Submission:

Labcorp Genetics (formerly Invitae), Labcorp
Classification: Likely pathogenic. Last evaluated: 2019-03-15. Review status: criteria provided, single submitter. Criteria: Invitae Variant Classification Sherloc (09022015). Collection method: clinical testing. Allele origin: germline.
Comment: This variant is a deletion of the genomic region encompassing part of exon 5 (c.494_501+11del) of the MTTP gene. It is expected to disrupt RNA splicing and likely results in an absent or disrupted protein product. In summary, the currently available evidence indicates that the variant is pathogenic, but additional data are needed to prove that conclusively. Therefore, this variant has been classified as Likely Pathogenic. Loss-of-function variants in MTTP are known to be pathogenic (PMID: 8533758, 9671739). This variant has not been reported in the literature in individuals with MTTP-related conditions.

Literature cited by the submitters: PubMed 8533758; PubMed 9671739.